The following is an entry in ClinVar:

ClinVar aggregate classification (germline): Uncertain significance. Review status: criteria provided, multiple submitters, no conflicts (2 of 4 stars). 2 submissions from 2 submitters: Uncertain significance (2). Last evaluated 2023-06-04.

Conditions:
Familial sleep-related hypermotor epilepsy. Also called: Autosomal Dominant Sleep-Related Hypermotor (Hyperkinetic) Epilepsy. Identifiers: Orphanet 98784, MedGen C3696898, MONDO:0000030.

Allele frequency attached by ClinVar (database versions not stated): gnomAD exomes below 0.00001; TOPMed below 0.00001.
gnomAD v4.1: 6 of 1,604,274 alleles (0.00037%); highest among the groups gnomAD compares: Non-Finnish European, 0.00051%; no homozygotes.

Submissions (2):

Labcorp Genetics (formerly Invitae), Labcorp
Classification: Uncertain significance. Last evaluated: 2023-06-04. Review status: criteria provided, single submitter. Criteria: Invitae Variant Classification Sherloc (09022015). Collection method: clinical testing. Allele origin: germline.
Comment: In summary, the available evidence is currently insufficient to determine the role of this variant in disease. Therefore, it has been classified as a Variant of Uncertain Significance. Advanced modeling of protein sequence and biophysical properties (such as structural, functional, and spatial information, amino acid conservation, physicochemical variation, residue mobility, and thermodynamic stability) performed at Invitae indicates that this missense variant is not expected to disrupt CHRNA4 protein function. ClinVar contains an entry for this variant (Variation ID: 641471). This variant has not been reported in the literature in individuals affected with CHRNA4-related conditions. This variant is not present in population databases (gnomAD no frequency). This sequence change replaces aspartic acid, which is acidic and polar, with asparagine, which is neutral and polar, at codon 101 of the CHRNA4 protein (p.Asp101Asn).

Blueprint Genetics
Classification: Uncertain significance. Last evaluated: 2020-06-24. Review status: criteria provided, single submitter. Criteria: ACMG Guidelines, 2015. Collection method: clinical testing. Allele origin: germline.

NM_000744.7(CHRNA4):c.301G>A (p.Asp101Asn)

Genes: CHRNA4 (cholinergic receptor nicotinic alpha 4 subunit; minus strand), LOC126863087 (P300/CBP strongly-dependent group 1 enhancer GRCh37_chr20:61986832-61988031; plus strand). Cytogenetic location: 20q13.33.
Variant type: single nucleotide variant.
Coding change: c.301G>A on transcript NM_000744.7 (MANE Select); coding-DNA position 301, G replaced by A.
Protein change: p.Asp101Asn; replaces aspartic acid 101 with asparagine.
Molecular consequence: missense variant. On other transcripts: 5 prime UTR variant (1), non-coding transcript variant (1).
Genome position (GRCh38, 1-based): chr20:63,356,057, C>T on the plus strand (G>A on the coding strand, the complement: CHRNA4 is on the minus strand). VCF-style: chr20-63356057-C-T. GRCh37 (hg19) VCF-style: chr20-61987409-C-T.
Other names: c.-246G>A (NM_001256573.2); short protein forms D101N.
Identifiers: ClinVar variation 641471 (VCV000641471.12), dbSNP rs1427242612, ClinGen allele CA409641349.